The following is an entry in ClinVar:

NM_000458.4(HNF1B):c.1389C>T (p.Ala463=)

Gene: HNF1B (HNF1 homeobox B; minus strand). Cytogenetic location: 17q12.
Variant type: single nucleotide variant.
Coding change: c.1389C>T on transcript NM_000458.4 (MANE Select); coding-DNA position 1389, C replaced by T.
Protein change: p.Ala463=; no amino-acid change (alanine 463 retained).
Molecular consequence: synonymous variant. On other transcripts: intron variant (1).
Genome position (GRCh38, 1-based): chr17:37,701,128, G>A on the plus strand (C>T on the coding strand, the complement: HNF1B is on the minus strand). VCF-style: chr17-37701128-G-A. GRCh37 (hg19) VCF-style: chr17-36061133-G-A.
Other names: c.1311C>T, p.Ala437= (NM_001165923.4); c.1261+3789C>T (NM_001304286.2); c.1389C>T (NM_000458.2).
Identifiers: ClinVar variation 499838 (VCV000499838.13), dbSNP rs761684626, ClinGen allele CA8518828.

ClinVar aggregate classification (germline): Conflicting classifications of pathogenicity. Review status: criteria provided, conflicting classifications (1 of 4 stars). 6 submissions from 6 submitters: Uncertain significance (1); Benign (1); Likely benign (4). Last evaluated 2025-10-22.

Conditions:
Maturity-onset diabetes of the young (MODY). Also called: Maturity onset diabetes mellitus in young. Identifiers: Orphanet 552, MedGen C0342276, MONDO:0018911, HP:0004904.

Allele frequency attached by ClinVar (database versions not stated): ExAC below 0.00001; TOPMed 0.00003.
gnomAD v4.1: 189 of 1,552,158 alleles (0.012%); highest among the groups gnomAD compares: East Asian, 0.42%; 1 homozygote.

Submissions (6):

Labcorp Genetics (formerly Invitae), Labcorp
Classification: Likely benign. Last evaluated: 2025-10-22. Review status: criteria provided, single submitter. Criteria: Invitae Variant Classification Sherloc (09022015). Collection method: clinical testing. Allele origin: germline.

Ambry Genetics
Classification: Likely benign for Maturity-onset diabetes of the young. Last evaluated: 2025-05-30. Review status: criteria provided, single submitter. Criteria: Ambry Variant Classification Scheme 2023. Collection method: clinical testing. Allele origin: germline.

Blueprint Genetics
Classification: Likely benign. Last evaluated: 2023-08-11. Review status: criteria provided, single submitter. Criteria: ACMG Guidelines, 2015. Collection method: clinical testing. Allele origin: germline.

Athena Diagnostics
Classification: Benign. Last evaluated: 2020-12-15. Review status: criteria provided, single submitter. Criteria: Athena Diagnostics criteria. Collection method: clinical testing. Allele origin: unknown.

Eurofins Ntd Llc (ga)
Classification: Uncertain significance. Last evaluated: 2017-01-10. Review status: criteria provided, single submitter. Criteria: EGL Classification Definitions 2015. Collection method: clinical testing. Allele origin: germline. Observed: 1 variant allele, 1 heterozygote.

Clinical Genomics, Uppaluri K&H Personalized Medicine Clinic
Classification: Likely benign for Maturity-onset diabetes of the young. Review status: criteria provided, single submitter. Criteria: K & H Uppaluri Personalized Medicine Clinic Variant Classification & Assertion Criteria_Updated V.1. Collection method: research. Allele origin: unknown. Inheritance: Autosomal dominant inheritance.
Comment: HNF1B gene mutations are associated with early onset diabetes and pancreatic atrophy. It is also associated with multiple renal manifestations including renal cysts, Tubulointerstitial disease, glomerulocystic disease, renal hypoplasia, hypomagnesemia. However no sufficient evidence is found to ascertain the role of this particular variant rs761684626 , yet.

Literature cited by the submitters: PubMed 9398836 (cited by Athena Diagnostics); PubMed 24897035 (cited by Clinical Genomics, Uppaluri K&H Personalized Medicine Clinic); PubMed 25536396 (cited by Clinical Genomics, Uppaluri K&H Personalized Medicine Clinic); PubMed 27615128 (cited by Clinical Genomics, Uppaluri K&H Personalized Medicine Clinic); PubMed 28215227 (cited by Clinical Genomics, Uppaluri K&H Personalized Medicine Clinic); PubMed 33434175 (cited by Clinical Genomics, Uppaluri K&H Personalized Medicine Clinic); PubMed 25741167 (cited by Clinical Genomics, Uppaluri K&H Personalized Medicine Clinic); PubMed 26340261 (cited by Clinical Genomics, Uppaluri K&H Personalized Medicine Clinic); PubMed 19639018 (cited by Clinical Genomics, Uppaluri K&H Personalized Medicine Clinic).